The following is an entry in ClinVar:

ClinVar aggregate classification (germline): Likely benign. Review status: criteria provided, single submitter (1 of 4 stars). 2 submissions from 2 submitters: Likely benign (1). 1 of the submissions does not count toward it. Last evaluated 2023-06-24.

Conditions:
CEP290-related disorder. Also called: CEP290-related disorders; CEP290-related condition. Identifiers: MedGen CN239314.
Joubert syndrome. Also called: CEREBELLOPARENCHYMAL DISORDER IV; JOUBERT-BOLTSHAUSER SYNDROME; Familial aplasia of the vermis. Identifiers: Orphanet 475, MedGen C5979921, MONDO:0018772.
Nephronophthisis. Also called: Juvenile Nephronophthisis. Identifiers: Orphanet 655, MedGen C0687120, MONDO:0019005, HP:0000090.
Meckel-Gruber syndrome. Also called: DYSENCEPHALIA SPLANCHNOCYSTICA; GRUBER SYNDROME; Dysencephalia splachnocystica. Identifiers: Orphanet 564, MedGen C0265215, MONDO:0018921.

Allele frequency attached by ClinVar (database versions not stated): gnomAD 0.00001.

Submissions (2):

Labcorp Genetics (formerly Invitae), Labcorp
Classification: Likely benign for Joubert syndrome; Meckel-Gruber syndrome; Nephronophthisis. Last evaluated: 2023-06-24. Review status: criteria provided, single submitter. Criteria: Invitae Variant Classification Sherloc (09022015). Collection method: clinical testing. Allele origin: germline.

PreventionGenetics, part of Exact Sciences
Classification: Likely benign for CEP290-related condition. Last evaluated: 2024-08-19. Review status: no assertion criteria provided. Collection method: clinical testing. Allele origin: germline. Not counted in ClinVar's aggregate classification.
Comment: This variant is classified as likely benign based on ACMG/AMP sequence variant interpretation guidelines (Richards et al. 2015 PMID: 25741868, with internal and published modifications).

NM_025114.4(CEP290):c.2218-10T>C

Gene: CEP290 (centrosomal protein 290; minus strand). Cytogenetic location: 12q21.32.
Variant type: single nucleotide variant.
Coding change: c.2218-10T>C on transcript NM_025114.4 (MANE Select); 10 bases into the intron before coding-DNA position 2218, T replaced by C.
Molecular consequence: intron variant.
Genome position (GRCh38, 1-based): chr12:88,111,361, A>G on the plus strand (T>C on the coding strand, the complement: CEP290 is on the minus strand). VCF-style: chr12-88111361-A-G. GRCh37 (hg19) VCF-style: chr12-88505138-A-G.
Other names: c.2218-10T>C (NM_025114.3).
Identifiers: ClinVar variation 1153602 (VCV001153602.10), dbSNP rs1433595237, ClinGen allele CA606675786.